The following is an entry in ClinVar:

ClinVar aggregate classification (germline): Likely benign. Review status: criteria provided, multiple submitters, no conflicts (2 of 4 stars). 5 submissions from 5 submitters: Likely benign (4). 1 of the submissions does not count toward it. Last evaluated 2026-01-20.

Conditions:
MSH3-related disorder. Also called: MSH3-related condition.
Hereditary cancer-predisposing syndrome. Also called: Hereditary Cancer Syndrome; Hereditary neoplastic syndrome; Neoplastic Syndromes, Hereditary; Tumor predisposition. Identifiers: Orphanet 140162, MedGen C0027672, MeSH D009386, MONDO:0015356.

Allele frequency attached by ClinVar (database versions not stated): TOPMed below 0.00001; gnomAD 0.00001; 1000 Genomes Project 30x 0.00016; 1000 Genomes Project 0.00020.
gnomAD v4.1: 24 of 1,612,794 alleles (0.0015%); highest among the groups gnomAD compares: Middle Eastern, 0.017%; no homozygotes.

Submissions (5):

Labcorp Genetics (formerly Invitae), Labcorp
Classification: Likely benign. Last evaluated: 2026-01-20. Review status: criteria provided, single submitter. Criteria: Invitae Variant Classification Sherloc (09022015). Collection method: clinical testing. Allele origin: germline.

Quest Diagnostics Nichols Institute San Juan Capistrano
Classification: Likely benign. Last evaluated: 2025-07-16. Review status: criteria provided, single submitter. Criteria: Quest Diagnostics criteria. Collection method: clinical testing. Allele origin: unknown.

Center for Genomic Medicine, Rigshospitalet, Copenhagen University Hospital
Classification: Likely benign. Last evaluated: 2025-03-04. Review status: criteria provided, single submitter. Criteria: ACMG Guidelines, 2015. Collection method: clinical testing. Allele origin: germline.

Ambry Genetics
Classification: Likely benign for Hereditary cancer-predisposing syndrome. Last evaluated: 2020-04-13. Review status: criteria provided, single submitter. Criteria: Ambry Variant Classification Scheme 2023. Collection method: clinical testing. Allele origin: germline.

PreventionGenetics, part of Exact Sciences
Classification: Likely benign for MSH3-related condition. Last evaluated: 2021-05-04. Review status: no assertion criteria provided. Collection method: clinical testing. Allele origin: germline. Not counted in ClinVar's aggregate classification.
Comment: This variant is classified as likely benign based on ACMG/AMP sequence variant interpretation guidelines (Richards et al. 2015 PMID: 25741868, with internal and published modifications).

NM_002439.5(MSH3):c.3036G>A (p.Pro1012=)

Gene: MSH3 (mutS homolog 3; plus strand). Cytogenetic location: 5q14.1.
Variant type: single nucleotide variant.
Coding change: c.3036G>A on transcript NM_002439.5 (MANE Select); coding-DNA position 3036, G replaced by A.
Protein change: p.Pro1012=; no amino-acid change (proline 1012 retained).
Molecular consequence: synonymous variant.
Genome position (GRCh38, 1-based): chr5:80,864,848, G>A. VCF-style: chr5-80864848-G-A. GRCh37 (hg19) VCF-style: chr5-80160667-G-A.
Identifiers: ClinVar variation 757790 (VCV000757790.18), dbSNP rs190963296, ClinGen allele CA3328436.